The following is an entry in ClinVar:

ClinVar aggregate classification (germline): Conflicting classifications of pathogenicity. Review status: criteria provided, conflicting classifications (1 of 4 stars). 4 submissions from 4 submitters: Uncertain significance (3); Likely benign (1). Last evaluated 2024-05-14.

Allele frequency attached by ClinVar (database versions not stated): gnomAD exomes 0.00002 and 0.00014; ESP Exome Variant Server 0.00008; TOPMed 0.00003; 1000 Genomes Project 30x 0.00016; 1000 Genomes Project 0.00020; gnomAD 0.00003.
gnomAD v4.1: 199 of 1,613,804 alleles (0.012%); highest among the groups gnomAD compares: Non-Finnish European, 0.016%; no homozygotes.

Submissions (4):

Revvity Omics, Revvity
Classification: Uncertain significance. Last evaluated: 2024-05-14. Review status: criteria provided, single submitter. Criteria: ACMG Guidelines, 2015. Collection method: clinical testing. Allele origin: germline.

GeneDx
Classification: Likely benign. Last evaluated: 2020-09-25. Review status: criteria provided, single submitter. Criteria: GeneDx Variant Classification Process June 2021. Collection method: clinical testing. Allele origin: germline. Affected: yes.

Women's Health and Genetics/Laboratory Corporation of America, LabCorp
Classification: Uncertain significance. Last evaluated: 2019-12-16. Review status: criteria provided, single submitter. Criteria: LabCorp Variant Classification Summary - May 2015. Collection method: clinical testing. Allele origin: germline.
Comment: Variant summary: TTN c.23944T>C (p.Cys7982Arg) results in a non-conservative amino acid change located in the I-band of the encoded protein sequence. Five of five in-silico tools predict a damaging effect of the variant on protein function. The variant allele was found at a frequency of 2.4e-05 in 248562 control chromosomes (gnomAD). The available data on variant occurrences in the general population are insufficient to allow any conclusion about variant significance. To our knowledge, no occurrence of c.23944T>C in individuals affected with Cardiomyopathy and no experimental evidence demonstrating its impact on protein function have been reported. No clinical diagnostic laboratories have submitted clinical-significance assessments for this variant to ClinVar after 2014. Based on the evidence outlined above, the variant was classified as uncertain significance.

Laboratory for Molecular Medicine, Mass General Brigham Personalized Medicine
Classification: Uncertain significance. Last evaluated: 2014-03-12. Review status: criteria provided, single submitter. Criteria: LMM Criteria. Collection method: clinical testing. Allele origin: germline. Observed: 1 variant allele.
Comment: The Cys7982Arg variant in TTN has not been previously reported in individuals wi th cardiomyopathy, but has been identified in 1/3775 African American chromosome s by the NHLBI Exome Sequencing Project (dbSN P rs372820178). The affected amino acid is conserved in evolution, suggesting th at a change would not be tolerated. Other computational analyses do not provide strong support for or against an impact to the protein. Additional information is needed to fully assess the clinical significance of the Cys7982Arg variant.

NM_001267550.2(TTN):c.27676T>C (p.Cys9226Arg)

Gene: TTN (titin; minus strand). Cytogenetic location: 2q31.2.
Variant type: single nucleotide variant.
Coding change: c.27676T>C on transcript NM_001267550.2 (MANE Select); coding-DNA position 27676, T replaced by C.
Protein change: p.Cys9226Arg; replaces cysteine 9226 with arginine.
Molecular consequence: missense variant. On other transcripts: intron variant (3).
Genome position (GRCh38, 1-based): chr2:178,712,154, A>G on the plus strand (T>C on the coding strand, the complement: TTN is on the minus strand). VCF-style: chr2-178712154-A-G. GRCh37 (hg19) VCF-style: chr2-179576881-A-G.
Other names: c.26725T>C, p.Cys8909Arg (NM_001256850.1); c.13282+25928T>C (NM_003319.4); c.13858+25928T>C (NM_133437.4); c.13657+25928T>C (NM_133432.3); c.23944T>C, p.Cys7982Arg (NM_133378.4); short protein forms C7982R, C9226R, C8909R.
Identifiers: ClinVar variation 166140 (VCV000166140.10), dbSNP rs372820178, ClinGen allele CA178943.
Genomic context (GRCh38, chr2:178,712,154, plus strand): 5'-TCAATTTTGTATCTCCTTTATACCAGGATACCCCAATTTCAGGGGTTCCAGCAAGCTGGC[A>G]TTGTAGAGAGGCAGAATCTCCAACAGACACCTTAACCGGCTCCAACTGCTTGACAAAATA-3'
Protein context (NP_001254479.2, residues 9216-9236): VSVGDSASLQ[Cys9226Arg]QLAGTPEIGV